The following is an entry in ClinVar:

NM_007294.4(BRCA1):c.287A>C (p.Asp96Ala)

Gene: BRCA1 (BRCA1 DNA repair associated; minus strand). Cytogenetic location: 17q21.31.
Variant type: single nucleotide variant.
Coding change: c.287A>C on transcript NM_007294.4 (MANE Select); coding-DNA position 287, A replaced by C.
Protein change: p.Asp96Ala; replaces aspartic acid 96 with alanine.
Molecular consequence: missense variant. On other transcripts: non-coding transcript variant (1).
Genome position (GRCh38, 1-based): chr17:43,104,882, T>G on the plus strand (A>C on the coding strand, the complement: BRCA1 is on the minus strand). VCF-style: chr17-43104882-T-G. GRCh37 (hg19) VCF-style: chr17-41256899-T-G.
Other names: c.77A>C, p.Asp26Ala (NM_001407946.1, NM_001407947.1, NM_001407948.1 and 58 more transcripts); c.-95A>C (NM_001407959.1, NM_001407960.1, NM_001407962.1 and 4 more transcripts); c.146A>C, p.Asp49Ala (NM_001407964.1, NM_001408410.1, NM_001408452.1 and 99 more transcripts); c.287A>C, p.Asp96Ala (NM_001407968.1, NM_001407969.1, NM_001407970.1 and 168 more transcripts); c.209A>C, p.Asp70Ala (NM_001408409.1, NM_001408411.1, NM_001408412.1 and 21 more transcripts); c.155A>C, p.Asp52Ala (NM_001408451.1); short protein forms D96A, D49A, D52A, D26A, D70A.
Identifiers: ClinVar variation 868826 (VCV000868826.5), dbSNP rs864622444, ClinGen allele CA10601580.
Genomic context (GRCh38, chr17:43,104,882, plus strand): 5'-TCATGGACAGCACTTGAGTGTCATTCTTGGGATATTCAACACTTACACTCCAAACCTGTG[T>G]CAAGCTGAAAAGCACAAATGATTTTCAATAGCTCTTCAACAAGTTGACTAAATCTCGTAC-3'
Protein context (NP_009225.1, residues 86-106): LLKIICAFQL[Asp96Ala]TGLEYANSYN

ClinVar aggregate classification (germline): Likely pathogenic. Review status: criteria provided, single submitter (1 of 4 stars). 2 submissions from 2 submitters: Likely pathogenic (1). 1 of the submissions does not count toward it. Last evaluated 2023-06-12.

Conditions:
Breast-ovarian cancer, familial, susceptibility to, 1 (BROVCA1). Also called: BRCA1 Hereditary Breast and Ovarian Cancer; OVARIAN CANCER, SUSCEPTIBILITY TO. Identifiers: Orphanet 145, MedGen C2676676, MONDO:0011450, OMIM 604370. Disease mechanism: loss of function.

Submissions (3):

Myriad Genetics, Inc.
Classification: Likely pathogenic for Breast-ovarian cancer, familial, susceptibility to, 1. Last evaluated: 2023-06-12. Review status: criteria provided, single submitter. Criteria: Myriad Autosomal Dominant, Autosomal Recessive and X-Linked Classification Criteria (2023). Collection method: clinical testing. Allele origin: unknown.
Comment: This variant is considered likely pathogenic. Functional studies indicate this variant impacts protein function [PMID: 30209399, 35659930]. This variant is expected to disrupt protein structure [Myriad internal data].

Molecular Oncology, Hospital Universitario Central de Asturias (HUCA)
Classification: Likely pathogenic for Breast-ovarian cancer, familial, susceptibility to, 1. Last evaluated: 2021-05-24. Review status: no assertion criteria provided. Collection method: case-control. Allele origin: germline. Affected: yes. Not counted in ClinVar's aggregate classification.

Brotman Baty Institute, University of Washington
No classification provided (evidence only). Condition: Breast-ovarian cancer, familial 1. Review status: no classification provided. Collection method: in vitro. Allele origin: not applicable. Functional consequence: functionally_abnormal. Not counted in ClinVar's aggregate classification.
ClinVar note: "not provided" was previously submitted as the classification for the variant. However, the classification appeared to be based only on an observation of functional data so it was converted to no classification on 2025-07-30.

Literature cited by the submitters: PubMed 30209399 (cited by Myriad Genetics, Inc.); PubMed 35659930 (cited by Myriad Genetics, Inc.); PubMed 38922859 (cited by Molecular Oncology, Hospital Universitario Central de Asturias (HUCA)).